The following is an entry in ClinVar:

ClinVar aggregate classification (germline): Benign/Likely benign. Review status: criteria provided, multiple submitters, no conflicts (2 of 4 stars). 3 submissions from 3 submitters: Benign (1); Likely benign (2). Last evaluated 2025-05-15.

Conditions:
Hereditary cancer-predisposing syndrome. Also called: Hereditary Cancer Syndrome; Tumor predisposition; Neoplastic Syndromes, Hereditary; Hereditary neoplastic syndrome. Identifiers: Orphanet 140162, MedGen C0027672, MeSH D009386, MONDO:0015356.
Prostate cancer, hereditary, 9 (HPC9). Identifiers: Orphanet 1331, MedGen C1970250, MONDO:0012597, OMIM 610997.

Allele frequency attached by ClinVar (database versions not stated): gnomAD exomes below 0.00001.
gnomAD v4.1: 2 of 1,613,786 alleles (0.00012%); highest among the groups gnomAD compares: South Asian, 0.0011%; no homozygotes.

Submissions (3):

Ambry Genetics
Classification: Likely benign for Hereditary cancer-predisposing syndrome. Last evaluated: 2025-05-15. Review status: criteria provided, single submitter. Criteria: Ambry Variant Classification Scheme 2023. Collection method: clinical testing. Allele origin: germline.

Myriad Genetics, Inc.
Classification: Benign for Prostate cancer, hereditary, 9. Last evaluated: 2024-10-29. Review status: criteria provided, single submitter. Criteria: Myriad Autosomal Dominant, Autosomal Recessive and X-Linked Classification Criteria (2023). Collection method: clinical testing. Allele origin: unknown.
Comment: This variant is considered benign. This variant is a silent/synonymous amino acid change and it is not expected to impact splicing.

Labcorp Genetics (formerly Invitae), Labcorp
Classification: Likely benign. Last evaluated: 2024-06-30. Review status: criteria provided, single submitter. Criteria: Invitae Variant Classification Sherloc (09022015). Collection method: clinical testing. Allele origin: germline.

NM_006361.6(HOXB13):c.204G>T (p.Gly68=)

Gene: HOXB13 (homeobox B13; minus strand). Cytogenetic location: 17q21.32.
Variant type: single nucleotide variant.
Coding change: c.204G>T on transcript NM_006361.6 (MANE Select); coding-DNA position 204, G replaced by T.
Protein change: p.Gly68=; no amino-acid change (glycine 68 retained).
Molecular consequence: synonymous variant.
Genome position (GRCh38, 1-based): chr17:48,728,390, C>A on the plus strand (G>T on the coding strand, the complement: HOXB13 is on the minus strand). VCF-style: chr17-48728390-C-A. GRCh37 (hg19) VCF-style: chr17-46805752-C-A.
Other names: c.204G>T (NM_006361.5).
Identifiers: ClinVar variation 1015044 (VCV001015044.10), dbSNP rs1460312327, ClinGen allele CA500662023.